The following is an entry in ClinVar:

ClinVar aggregate classification (germline): Uncertain significance (1 of 4 stars; one submission).

Allele frequency attached by ClinVar (database versions not stated): gnomAD exomes below 0.00001; gnomAD 0.00001; TOPMed 0.00001.
gnomAD v4.1: 3 of 1,613,998 alleles (0.00019%); highest among the groups gnomAD compares: Non-Finnish European, 0.00025%; no homozygotes.

Submission:

Labcorp Genetics (formerly Invitae), Labcorp
Classification: Uncertain significance. Last evaluated: 2022-07-26. Review status: criteria provided, single submitter. Criteria: Invitae Variant Classification Sherloc (09022015). Collection method: clinical testing. Allele origin: germline.
Comment: ClinVar contains an entry for this variant (Variation ID: 962394). This variant has not been reported in the literature in individuals affected with TRPM1-related conditions. This variant is not present in population databases (gnomAD no frequency). This sequence change replaces glycine, which is neutral and non-polar, with arginine, which is basic and polar, at codon 429 of the TRPM1 protein (p.Gly429Arg). Algorithms developed to predict the effect of missense changes on protein structure and function are either unavailable or do not agree on the potential impact of this missense change (SIFT: "Deleterious"; PolyPhen-2: "Possibly Damaging"; Align-GVGD: "Class C0"). In summary, the available evidence is currently insufficient to determine the role of this variant in disease. Therefore, it has been classified as a Variant of Uncertain Significance.

NM_001252024.2(TRPM1):c.1351G>A (p.Gly451Arg)

Gene: TRPM1 (transient receptor potential cation channel subfamily M member 1; minus strand). Cytogenetic location: 15q13.3.
Variant type: single nucleotide variant.
Coding change: c.1351G>A on transcript NM_001252024.2 (MANE Select); coding-DNA position 1351, G replaced by A.
Protein change: p.Gly451Arg; replaces glycine 451 with arginine.
Molecular consequence: missense variant.
Genome position (GRCh38, 1-based): chr15:31,050,495, C>T on the plus strand (G>A on the coding strand, the complement: TRPM1 is on the minus strand). VCF-style: chr15-31050495-C-T. GRCh37 (hg19) VCF-style: chr15-31342698-C-T.
Other names: c.1402G>A, p.Gly468Arg (NM_001252020.2); c.1285G>A, p.Gly429Arg (NM_002420.6); short protein forms G429R, G451R, G468R.
Identifiers: ClinVar variation 962394 (VCV000962394.9), dbSNP rs1184117648, ClinGen allele CA391517792.